The following is an entry in ClinVar:

ClinVar aggregate classification (germline): Uncertain significance (1 of 4 stars; one submission).

Conditions:
Megalencephaly-polymicrogyria-postaxial polydactyly-hydrocephalus syndrome. Also called: MPPH Syndrome; MEG-PMG-MEGACC SYNDROME. Identifiers: Orphanet 83473, MedGen C1863924, MONDO:0019375.

Allele frequency attached by ClinVar (database versions not stated): gnomAD 0.00001; gnomAD exomes 0.00001; TOPMed 0.00002.
gnomAD v4.1: 14 of 1,484,488 alleles (0.00094%); highest among the groups gnomAD compares: East Asian, 0.0079%; no homozygotes.

Submission:

Labcorp Genetics (formerly Invitae), Labcorp
Classification: Uncertain significance for Megalencephaly-polymicrogyria-postaxial polydactyly-hydrocephalus syndrome. Last evaluated: 2024-09-09. Review status: criteria provided, single submitter. Criteria: Invitae Variant Classification Sherloc (09022015). Collection method: clinical testing. Allele origin: germline.
Comment: This sequence change replaces glycine, which is neutral and non-polar, with serine, which is neutral and polar, at codon 87 of the PIK3R2 protein (p.Gly87Ser). This variant is present in population databases (no rsID available, gnomAD 0.02%). This variant has not been reported in the literature in individuals affected with PIK3R2-related conditions. ClinVar contains an entry for this variant (Variation ID: 2072868). Invitae Evidence Modeling of protein sequence and biophysical properties (such as structural, functional, and spatial information, amino acid conservation, physicochemical variation, residue mobility, and thermodynamic stability) indicates that this missense variant is not expected to disrupt PIK3R2 protein function with a negative predictive value of 95%. In summary, the available evidence is currently insufficient to determine the role of this variant in disease. Therefore, it has been classified as a Variant of Uncertain Significance.

NM_005027.4(PIK3R2):c.259G>A (p.Gly87Ser)

Gene: PIK3R2 (phosphoinositide-3-kinase regulatory subunit 2; plus strand). Cytogenetic location: 19p13.11.
Variant type: single nucleotide variant.
Coding change: c.259G>A on transcript NM_005027.4 (MANE Select); coding-DNA position 259, G replaced by A.
Protein change: p.Gly87Ser; replaces glycine 87 with serine.
Molecular consequence: missense variant. On other transcripts: non-coding transcript variant (2).
Genome position (GRCh38, 1-based): chr19:18,156,138, G>A. VCF-style: chr19-18156138-G-A. GRCh37 (hg19) VCF-style: chr19-18266948-G-A.
Other names: short protein forms G87S.
Identifiers: ClinVar variation 2072868 (VCV002072868.4), dbSNP rs1270183802, ClinGen allele CA404800833.